The following is an entry in ClinVar:

ClinVar aggregate classification (germline): Conflicting classifications of pathogenicity. Review status: criteria provided, conflicting classifications (1 of 4 stars). 5 submissions from 5 submitters: Uncertain significance (4); Likely benign (1). Last evaluated 2026-01-19.

Conditions:
Hereditary cancer-predisposing syndrome. Also called: Neoplastic Syndromes, Hereditary; Hereditary Cancer Syndrome; Hereditary neoplastic syndrome; Tumor predisposition. Identifiers: Orphanet 140162, MedGen C0027672, MeSH D009386, MONDO:0015356.
Neurofibromatosis, type 2 (SWNV). Also called: BILATERAL ACOUSTIC NEUROFIBROMATOSIS; SCHWANNOMATOSIS, VESTIBULAR; NF2-Related Schwannomatosis. Identifiers: Orphanet 637, MedGen C0027832, MONDO:0007039, OMIM 101000. Disease mechanism: loss of function.

Allele frequency attached by ClinVar (database versions not stated): gnomAD exomes below 0.00001; gnomAD 0.00001; TOPMed 0.00001.
gnomAD v4.1: 9 of 1,614,024 alleles (0.00056%); highest among the groups gnomAD compares: Admixed American, 0.0033%; no homozygotes.

Submissions (5):

Labcorp Genetics (formerly Invitae), Labcorp
Classification: Likely benign for Neurofibromatosis, type 2. Last evaluated: 2026-01-19. Review status: criteria provided, single submitter. Criteria: Invitae Variant Classification Sherloc (09022015). Collection method: clinical testing. Allele origin: germline.

Color Diagnostics, LLC DBA Color Health
Classification: Uncertain significance for Neurofibromatosis, type 2. Last evaluated: 2025-08-05. Review status: criteria provided, single submitter. Criteria: ACMG Guidelines, 2015. Collection method: clinical testing. Allele origin: germline.
Comment: This missense variant replaces phenylalanine with serine at codon 61 of the NF2 protein. Computational prediction suggests that this variant may have deleterious impact on protein structure and function. To our knowledge, functional studies have not been reported for this variant. This variant has not been reported in individuals affected with NF2-related disorders in the literature. This variant has not been identified in the general population by the Genome Aggregation Database (gnomAD). The available evidence is insufficient to determine the role of this variant in disease conclusively. Therefore, this variant is classified as a Variant of Uncertain Significance.

Ambry Genetics
Classification: Uncertain significance for Hereditary cancer-predisposing syndrome. Last evaluated: 2024-10-29. Review status: criteria provided, single submitter. Criteria: Ambry Variant Classification Scheme 2023. Collection method: clinical testing. Allele origin: germline.
Comment: The p.F61S variant (also known as c.182T>C), located in coding exon 2 of the NF2 gene, results from a T to C substitution at nucleotide position 182. The phenylalanine at codon 61 is replaced by serine, an amino acid with highly dissimilar properties. This amino acid position is conserved. In addition, this alteration is predicted to be deleterious by in silico analysis. Since supporting evidence is limited at this time, the clinical significance of this alteration remains unclear.

All of Us Research Program, National Institutes of Health
Classification: Uncertain significance for Neurofibromatosis, type 2. Last evaluated: 2024-08-06. Review status: criteria provided, single submitter. Criteria: ACMG Guidelines, 2015. Collection method: clinical testing. Allele origin: germline. Inheritance: Autosomal dominant inheritance. Observed: 5 variant alleles, 5 heterozygotes.
Comment: This missense variant replaces phenylalanine with serine at codon 61 of the NF2 protein. Computational prediction suggests that this variant may have deleterious impact on protein structure and function (internally defined REVEL score threshold >= 0.7, PMID: 27666373). To our knowledge, functional studies have not been reported for this variant. This variant has not been reported in individuals affected with NF2-related disorders in the literature. This variant has not been identified in the general population by the Genome Aggregation Database (gnomAD). The available evidence is insufficient to determine the role of this variant in disease conclusively. Therefore, this variant is classified as a Variant of Uncertain Significance.

This study involves interpretation of variants in research participants for the purpose of population health screening. Participant phenotype was not available at the time of variant classification. Additional details can be found in publication PMID: 35346344, PMCID: PMC8962531

GeneDx
Classification: Uncertain significance. Last evaluated: 2022-06-03. Review status: criteria provided, single submitter. Criteria: GeneDx Variant Classification Process June 2021. Collection method: clinical testing. Allele origin: germline. Affected: yes.
Comment: In silico analysis supports that this missense variant has a deleterious effect on protein structure/function; Has not been previously published as pathogenic or benign to our knowledge; This variant is associated with the following publications: (PMID: 11756419, 16324214)

NM_000268.4(NF2):c.182T>C (p.Phe61Ser)

Gene: NF2 (NF2, moesin-ezrin-radixin like (MERLIN) tumor suppressor; plus strand). Cytogenetic location: 22q12.2.
Variant type: single nucleotide variant.
Coding change: c.182T>C on transcript NM_000268.4 (MANE Select); coding-DNA position 182, T replaced by C.
Protein change: p.Phe61Ser; replaces phenylalanine 61 with serine.
Molecular consequence: missense variant. On other transcripts: non-coding transcript variant (1), intron variant (3).
Genome position (GRCh38, 1-based): chr22:29,636,818, T>C. VCF-style: chr22-29636818-T-C. GRCh37 (hg19) VCF-style: chr22-30032807-T-C.
Other names: c.182T>C, p.Phe61Ser (NM_016418.5, NM_181825.3, NM_181829.3 and 2 more transcripts); c.115-2272T>C (NM_181828.3); c.115-5384T>C (NM_181830.3, NM_181831.3); short protein forms F61S.
Identifiers: ClinVar variation 1002192 (VCV001002192.15), dbSNP rs1286915234, ClinGen allele CA411152553.